The following is an entry in ClinVar:

NM_007194.4(CHEK2):c.728G>A (p.Cys243Tyr)

Gene: CHEK2 (checkpoint kinase 2; minus strand). Cytogenetic location: 22q12.1.
Variant type: single nucleotide variant.
Coding change: c.728G>A on transcript NM_007194.4 (MANE Select); coding-DNA position 728, G replaced by A.
Protein change: p.Cys243Tyr; replaces cysteine 243 with tyrosine.
Molecular consequence: missense variant.
Genome position (GRCh38, 1-based): chr22:28,711,973, C>T on the plus strand (G>A on the coding strand, the complement: CHEK2 is on the minus strand). VCF-style: chr22-28711973-C-T. GRCh37 (hg19) VCF-style: chr22-29107961-C-T.
Other names: c.857G>A, p.Cys286Tyr (NM_001005735.3); c.65G>A, p.Cys22Tyr (NM_001257387.3); c.527G>A, p.Cys176Tyr (NM_001349956.3); c.728G>A, p.Cys243Tyr (NM_145862.3); short protein forms C243Y, C176Y, C22Y, C286Y.
Identifiers: ClinVar variation 460853 (VCV000460853.9), dbSNP rs1555921203, ClinGen allele CA411103315.
Genomic context (GRCh38, chr22:28,711,973, plus strand): 5'-TCTCTTGCTGAACCAATAGCAAACTTCCTTTTGCTGATGATCTTTATGGCTACTTTCTTA[C>T]ATGTTTTCCTCTCGAAAGCCAGCTTTACCTCTCCACAGGCACCACTAGAGGGAAAAACAA-3'
Protein context (NP_009125.1, residues 233-253): EVKLAFERKT[Cys243Tyr]KKVAIKIISK

ClinVar aggregate classification (germline): Uncertain significance (1 of 4 stars; one submission).

Conditions:
Familial cancer of breast. Also called: BREAST CANCER, FAMILIAL; Hereditary breast cancer; hereditary breast carcinoma. Identifiers: Orphanet 227535, MedGen C0346153, MONDO:0016419, OMIM 114480. Disease mechanism: loss of function.

Submission:

Labcorp Genetics (formerly Invitae), Labcorp
Classification: Uncertain significance for Familial cancer of breast. Last evaluated: 2017-04-18. Review status: criteria provided, single submitter. Criteria: Invitae Variant Classification Sherloc (09022015). Collection method: clinical testing. Allele origin: germline.
Comment: In summary, this variant is a novel missense change with uncertain impact on protein function. It has been classified as a Variant of Uncertain Significance. Algorithms developed to predict the effect of missense changes on protein structure and function do not agree on the potential impact of this missense change (SIFT: "Deleterious"; PolyPhen-2: "Probably Damaging"; Align-GVGD: "Class C0"). This variant is not present in population databases (ExAC no frequency) and has not been reported in the literature in individuals with a CHEK2-related disease. This sequence change replaces cysteine with tyrosine at codon 243 of the CHEK2 protein (p.Cys243Tyr). The cysteine residue is highly conserved and there is a large physicochemical difference between cysteine and tyrosine.